The following is an entry in ClinVar:

NM_016148.5(SHANK1):c.5285_5308del (p.Leu1762_Arg1769del)

Gene: SHANK1 (SH3 and multiple ankyrin repeat domains 1; minus strand). Cytogenetic location: 19q13.33.
Variant type: Deletion.
Coding change: c.5285_5308del on transcript NM_016148.5 (MANE Select); coding-DNA positions 5285 to 5308, 24 bases deleted (TAGGAGCCAGCGGAGGCCTGCGGC).
Protein change: p.Leu1762_Arg1769del.
Genome position (GRCh38, 1-based): chr19:50,666,652-50,666,675, GCCGCAGGCCTCCGCTGGCTCCTA deleted on the plus strand (TAGGAGCCAGCGGAGGCCTGCGGC on the coding strand, the reverse complement: SHANK1 is on the minus strand); deleting any 24 consecutive bases within chr19:50,666,652-50,666,677 gives the same sequence; the c. name uses the placement nearest the transcript's 3' end. VCF-style (leftmost placement, unchanged base first): chr19-50666651-GGCCGCAGGCCTCCGCTGGCTCCTA-G. GRCh37 (hg19) VCF-style: chr19-51169908-GGCCGCAGGCCTCCGCTGGCTCCTA-G.
Identifiers: ClinVar variation 3037125 (VCV003037125.2), dbSNP rs541236639, ClinGen allele CA9601049.
Genomic context (GRCh38, chr19:50,666,651, plus strand): 5'-GTCACCGAGACGGTGGGGCTGGTGGGGGTAACAGGGTCTCGGAGTCCCCCGCTGGGGCCA[GGCCGCAGGCCTCCGCTGGCTCCTA>G]GCGCCCGGCCCCGGAGCTTAGAGGGAGTCATGAGCTGAGGAGGGTATGGCGGGCCGGGAG-3'

ClinVar aggregate classification (germline): Likely benign (0 of 4 stars; one submission).

Conditions:
SHANK1-related disorder. Also called: SHANK1-related condition.

Submission:

PreventionGenetics, part of Exact Sciences
Classification: Likely benign for SHANK1-related condition. Last evaluated: 2022-07-28. Review status: no assertion criteria provided. Collection method: clinical testing. Allele origin: germline.
Comment: This variant is classified as likely benign based on ACMG/AMP sequence variant interpretation guidelines (Richards et al. 2015 PMID: 25741868, with internal and published modifications).